The following is an entry in ClinVar:

NM_172250.3(MMAA):c.266T>C (p.Leu89Pro)

Gene: MMAA (metabolism of cobalamin associated A; plus strand). Cytogenetic location: 4q31.21.
Variant type: single nucleotide variant.
Coding change: c.266T>C on transcript NM_172250.3 (MANE Select); coding-DNA position 266, T replaced by C.
Protein change: p.Leu89Pro; replaces leucine 89 with proline.
Molecular consequence: missense variant.
Genome position (GRCh38, 1-based): chr4:145,639,405, T>C. VCF-style: chr4-145639405-T-C. GRCh37 (hg19) VCF-style: chr4-146560557-T-C.
Other names: short protein forms L89P.
Identifiers: ClinVar variation 218971 (VCV000218971.16), dbSNP rs864309726, ClinGen allele CA347910.

ClinVar aggregate classification (germline): Pathogenic/Likely pathogenic. Review status: criteria provided, multiple submitters, no conflicts (2 of 4 stars). 6 submissions from 6 submitters: Pathogenic (1); Likely pathogenic (3). 2 of the submissions do not count toward it. Last evaluated 2026-01-14.

Conditions:
Methylmalonic aciduria, cblA type (MACA). Also called: Vitamin B12-responsive methylmalonic acidemia type cblA; Methylmalonic aciduria, vitamin b12-responsive, due to defect in synthesis of adenosylcobalamin, cbla complementation type; MMA cbl A type; Methylmalonic acidemia cblA type; Methylmalonic aciduria, vitamin B12-responsive. Identifiers: Orphanet 28, Orphanet 79310, MedGen C1855109, MONDO:0009613, OMIM 251100.

Allele frequency attached by ClinVar (database versions not stated): TOPMed 0.00001; gnomAD exomes 0.00001 and below 0.00001; gnomAD 0.00002.
gnomAD v4.1: 13 of 1,614,088 alleles (0.00081%); highest among the groups gnomAD compares: Non-Finnish European, 0.001%; no homozygotes.

Submissions (6):

Natera, Inc.
Classification: Likely pathogenic for Methylmalonic aciduria cblA type. Last evaluated: 2026-01-14. Review status: criteria provided, single submitter. Criteria: Natera Variant Classification Schema (03/2026). Collection method: clinical testing. Allele origin: germline.
Comment: The c.266T>C variant in MMAA is a missense variant predicted to cause substitution of leucine to proline at amino acid 89. This variant is rare in the general population with a frequency below the threshold expected for the associated phenotype(s). This variant has been observed in one or more individuals affected with the associated recessive disease, as either homozygous or compound heterozygous with a second variant (PMID: 34915869, 15523652). Computational prediction algorithms indicate this variant is likely to affect gene or protein function. Given the available evidence, this variant is classified as Likely Pathogenic.

Labcorp Genetics (formerly Invitae), Labcorp
Classification: Likely pathogenic for Methylmalonic aciduria, cblA type. Last evaluated: 2025-12-19. Review status: criteria provided, single submitter. Criteria: Invitae Variant Classification Sherloc (09022015). Collection method: clinical testing. Allele origin: germline.
Comment: This sequence change replaces leucine, which is neutral and non-polar, with proline, which is neutral and non-polar, at codon 89 of the MMAA protein (p.Leu89Pro). This variant is present in population databases (no rsID available, gnomAD 0.002%). This missense change has been observed in individuals with cobalamin A type methylmalonic aciduria (PMID: 15523652, 34915869). ClinVar contains an entry for this variant (Variation ID: 218971). Invitae Evidence Modeling of protein sequence and biophysical properties (such as structural, functional, and spatial information, amino acid conservation, physicochemical variation, residue mobility, and thermodynamic stability) indicates that this missense variant is expected to disrupt MMAA protein function with a positive predictive value of 80%. Experimental studies have shown that this missense change affects MMAA function (PMID: 28497574). In summary, the currently available evidence indicates that the variant is pathogenic, but additional data are needed to prove that conclusively. Therefore, this variant has been classified as Likely Pathogenic.

Fulgent Genetics
Classification: Likely pathogenic for Methylmalonic aciduria, cblA type. Last evaluated: 2024-06-15. Review status: criteria provided, single submitter. Criteria: ACMG Guidelines, 2015. Collection method: clinical testing. Allele origin: germline.

Department of Pathology and Laboratory Medicine, Sinai Health System
Classification: Pathogenic for Methylmalonic aciduria, cblA type. Last evaluated: 2022-09-07. Review status: criteria provided, single submitter. Criteria: ACMG Guidelines, 2015. Collection method: research. Allele origin: germline.

Counsyl
Classification: Likely pathogenic for Methylmalonic aciduria, cblA type. Last evaluated: 2018-01-04. Review status: no assertion criteria provided. Collection method: clinical testing. Allele origin: unknown. Not counted in ClinVar's aggregate classification.

GeneReviews
No classification provided. Condition: Methylmalonic aciduria, cblA type. Review status: no classification provided. Collection method: literature only. Allele origin: germline. Affected: yes. Not counted in ClinVar's aggregate classification.

Literature cited by the submitters: PubMed 34915869 (cited by Natera, Inc. and Labcorp Genetics (formerly Invitae), Labcorp); PubMed 15523652 (cited by 3 submitters); PubMed 28497574 (cited by Labcorp Genetics (formerly Invitae), Labcorp and Counsyl); NCBI Bookshelf NBK1231 (cited by GeneReviews).